The following is an entry in ClinVar:

ClinVar aggregate classification (germline): Likely pathogenic (1 of 4 stars; one submission).

Conditions:
Marfan Syndrome/Loeys-Dietz Syndrome/Familial Thoracic Aortic Aneurysms and Dissections. Identifiers: MedGen CN229799.

Submission:

Women's Health and Genetics/Laboratory Corporation of America, LabCorp
Classification: Likely pathogenic for Marfan Syndrome/Loeys-Dietz Syndrome/Familial Thoracic Aortic Aneurysms and Dissections. Last evaluated: 2018-04-16. Review status: criteria provided, single submitter. Criteria: LabCorp Variant Classification Summary - May 2015. Collection method: clinical testing. Allele origin: germline.
Comment: Variant summary: FBN1 c.1377_1378delCT (p.Cys460SerfsX15) results in a premature termination codon, predicted to cause a truncation of the encoded protein or absence of the protein due to nonsense mediated decay, which are commonly known mechanisms for disease. Truncations downstream of this position have been classified as pathogenic by our laboratory (e.g., c.1546C>T (p.Arg516X), c.1585C>T (p.Arg529X), and c.1693C>T (p.Arg565X)). The variant was absent in 246012 control chromosomes (gnomAD). The variant, c.1377_1378delCT, has been reported in the literature in one individual affected with Marfan Syndrome IRybczynski_2008). To our knowledge, no experimental evidence demonstrating an impact on protein function has been reported. No clinical diagnostic laboratories have submitted clinical-significance assessments for this variant to ClinVar after 2014. Based on the evidence outlined above, the variant was classified as likely pathogenic.

Literature cited by the submitters: PubMed 19012347.

NM_000138.5(FBN1):c.1377_1378del (p.Cys460fs)

Gene: FBN1 (fibrillin 1; minus strand). Cytogenetic location: 15q21.1.
Variant type: Microsatellite.
Coding change: c.1377_1378del on transcript NM_000138.5 (MANE Select); coding-DNA positions 1377 to 1378, 2 bases deleted (CT; older notation c.1377_1378delCT).
Protein change: p.Cys460fs; shifts the reading frame from cysteine 460.
Molecular consequence: frameshift variant.
Genome position (GRCh38, 1-based): chr15:48,515,477-48,515,478, AG deleted on the plus strand (CT on the coding strand, the reverse complement: FBN1 is on the minus strand); deleting any 2 consecutive bases within chr15:48,515,477-48,515,481 gives the same sequence; the c. name uses the placement nearest the transcript's 3' end. VCF-style (leftmost placement, unchanged base first): chr15-48515476-CAG-C. GRCh37 (hg19) VCF-style: chr15-48807673-CAG-C.
Other names: c.1377_1378delCT (NM_000138.4); short protein forms C460fs.
Identifiers: ClinVar variation 632807 (VCV000632807.1), dbSNP rs1597581008, ClinGen allele CA913191215.